The following is an entry in ClinVar:

NM_199461.4(NANOS1):c.283GCGCTGGGGCCG[1] (p.95ALGP[1])

Genes: NANOS1 (nanos C2HC-type zinc finger 1; plus strand), LOC130004821 (ATAC-STARR-seq lymphoblastoid silent region 2865; plus strand). Cytogenetic location: 10q26.11.
Variant type: Microsatellite.
Coding change: c.283GCGCTGGGGCCG[1] on transcript NM_199461.4 (MANE Select); one copy of the 12-base unit GCGCTGGGGCCG starting at c.283; the reference has two copies in a row; one copy, 12 bases deleted.
Protein change: p.95ALGP[1].
Molecular consequence: inframe deletion.
Genome position (GRCh38, 1-based): chr10:119,030,096-119,030,107, GCGCTGGGGCCG deleted; deleting any 12 consecutive bases within chr10:119,030,083-119,030,107 gives the same sequence; the position shown is the placement nearest the transcript's 3' end. VCF-style (leftmost placement, unchanged base first): chr10-119030082-GGGCGCTGGGGCC-G. GRCh37 (hg19) VCF-style: chr10-120789594-GGGCGCTGGGGCC-G.
Other names: c.295_306del12 (NM_199461.3).
Identifiers: ClinVar variation 2498471 (VCV002498471.29), dbSNP rs762815077, ClinGen allele CA5712756.

ClinVar aggregate classification (germline): Likely benign. Review status: criteria provided, single submitter (1 of 4 stars). 2 submissions from 2 submitters: Likely benign (1). 1 of the submissions does not count toward it. Last evaluated 2023-02-01.

Conditions:
NANOS1-related disorder. Also called: NANOS1-related condition.

Submissions (2):

CeGaT Center for Human Genetics Tuebingen
Classification: Likely benign. Last evaluated: 2023-02-01. Review status: criteria provided, single submitter. Criteria: CeGaT Center For Human Genetics Tuebingen Variant Classification Criteria Version 2. Collection method: clinical testing. Allele origin: germline. Affected: yes. Observed: 1 variant allele.
Comment: NANOS1: BS1

PreventionGenetics, part of Exact Sciences
Classification: Likely benign for NANOS1-related condition. Last evaluated: 2019-08-21. Review status: no assertion criteria provided. Collection method: clinical testing. Allele origin: germline. Not counted in ClinVar's aggregate classification.
Comment: This variant is classified as likely benign based on ACMG/AMP sequence variant interpretation guidelines (Richards et al. 2015 PMID: 25741868, with internal and published modifications).